The following is an entry in ClinVar:

ClinVar aggregate classification (germline): Benign. Review status: criteria provided, multiple submitters, no conflicts (2 of 4 stars). 2 submissions from 2 submitters: Benign (2). Last evaluated 2018-01-13.

Conditions:
Autosomal dominant limb-girdle muscular dystrophy type 1D (DNAJB6) (LGMDD1). Also called: MUSCULAR DYSTROPHY, LIMB-GIRDLE, TYPE 1D; MUSCULAR DYSTROPHY, AUTOSOMAL DOMINANT, WITH RIMMED VACUOLES; Autosomal dominant limb-girdle muscular dystrophy type 1D; Muscular dystrophy, limb-girdle, autosomal dominant 1. Identifiers: Orphanet 34516, MedGen C4721885, MONDO:0021018, OMIM 603511.

Allele frequency attached by ClinVar (database versions not stated): gnomAD 0.34812 and 0.35458; TOPMed 0.35384; 1000 Genomes Project 30x 0.35447; 1000 Genomes Project 0.36082; gnomAD exomes 0.58333.
gnomAD v4.1: 54,196 of 152,016 alleles (36%); highest among the groups gnomAD compares: Admixed American, 48%; 11,091 homozygotes.

Submissions (2):

Illumina Laboratory Services, Illumina
Classification: Benign for Autosomal dominant limb-girdle muscular dystrophy type 1D (DNAJB6). Last evaluated: 2018-01-13. Review status: criteria provided, single submitter. Criteria: ICSL Variant Classification Criteria 13 December 2019. Collection method: clinical testing. Allele origin: germline.
Comment: This variant was observed in the ICSL laboratory as part of a predisposition screen in an ostensibly healthy population. It had not been previously curated by ICSL or reported in the Human Gene Mutation Database (HGMD: prior to June 1st, 2018), and was therefore a candidate for classification through an automated scoring system. Utilizing variant allele frequency, disease prevalence and penetrance estimates, and inheritance mode, an automated score was calculated to assess if this variant is too frequent to cause the disease. Based on the score and internal cut-off values, a variant classified as benign is not then subjected to further curation. The score for this variant resulted in a classification of benign for this disease.

Breakthrough Genomics
Classification: Benign. Review status: criteria provided, single submitter. Criteria: ACMG Guidelines, 2015. Collection method: not provided. Allele origin: germline. Inheritance: Autosomal dominant inheritance. Affected: yes.

NM_058246.4(DNAJB6):c.*759C>T

Gene: DNAJB6 (DnaJ heat shock protein family (Hsp40) member B6; plus strand). Cytogenetic location: 7q36.3.
Variant type: single nucleotide variant.
Coding change: c.*759C>T on transcript NM_058246.4 (MANE Select); 759 bases downstream of the stop codon, C replaced by T.
Molecular consequence: 3 prime UTR variant.
Genome position (GRCh38, 1-based): chr7:157,416,857, C>T. VCF-style: chr7-157416857-C-T. GRCh37 (hg19) VCF-style: chr7-157209551-C-T.
Other names: c.*759C>T (NM_001363676.1).
Identifiers: ClinVar variation 359474 (VCV000359474.7), dbSNP rs1059752, ClinGen allele CA10628601.
Genomic context (GRCh38, chr7:157,416,857, plus strand): 5'-TCTCCCTAGTGTCCATGGGTTAGGGCCATGCTGGGGAAAACGGGCCGGTATTTACACACG[C>T]GCAAAACACCCAGAGACGGCACAAGGAGGTTGAACTCATGTTTCAGTTCGCGAACATTGA-3'